The following is an entry in ClinVar:

NM_001012301.4(ARSI):c.46G>A (p.Gly16Ser)

Gene: ARSI (arylsulfatase family member I; minus strand). Cytogenetic location: 5q32.
Variant type: single nucleotide variant.
Coding change: c.46G>A on transcript NM_001012301.4 (MANE Select); coding-DNA position 46, G replaced by A.
Protein change: p.Gly16Ser; replaces glycine 16 with serine.
Molecular consequence: missense variant.
Genome position (GRCh38, 1-based): chr5:150,302,328, C>T on the plus strand (G>A on the coding strand, the complement: ARSI is on the minus strand). VCF-style: chr5-150302328-C-T. GRCh37 (hg19) VCF-style: chr5-149681891-C-T.
Other names: c.46G>A (NM_001012301.2); short protein forms G16S.
Identifiers: ClinVar variation 2743692 (VCV002743692.4), dbSNP rs373846976, ClinGen allele CA3510423.
Genomic context (GRCh38, chr5:150,302,328, plus strand): 5'-CAGCCTCCCCGGGCCCGTCGGCCACGAAGCTCGGCTTGGCCCAGTCCCAGGACAGGTAGC[C>T]GAAGCTGAGCAGGCTGACCAGGGAGAAGCCAGTGAGGGTGTGCATCGCCAAGCCGGCCCG-3'
Protein context (NP_001012301.1, residues 6-26): GFSLVSLLSF[Gly16Ser]YLSWDWAKPS

ClinVar aggregate classification (germline): Uncertain significance. Review status: criteria provided, multiple submitters, no conflicts (2 of 4 stars). 2 submissions from 2 submitters: Uncertain significance (2). Last evaluated 2024-08-27.

Conditions:
Spastic paraplegia. Identifiers: MedGen C0037772, HP:0001258.

Allele frequency attached by ClinVar (database versions not stated): gnomAD 0.00003; TOPMed 0.00003; ExAC 0.00005; ESP Exome Variant Server 0.00016.
gnomAD v4.1: 33 of 1,575,038 alleles (0.0021%); highest among the groups gnomAD compares: South Asian, 0.028%; no homozygotes.

Submissions (2):

Ambry Genetics
Classification: Uncertain significance. Last evaluated: 2024-08-27. Review status: criteria provided, single submitter. Criteria: Ambry Variant Classification Scheme 2023. Collection method: clinical testing. Allele origin: germline.

Labcorp Genetics (formerly Invitae), Labcorp
Classification: Uncertain significance for Spastic paraplegia. Last evaluated: 2023-01-17. Review status: criteria provided, single submitter. Criteria: Invitae Variant Classification Sherloc (09022015). Collection method: clinical testing. Allele origin: germline.
Comment: In summary, the available evidence is currently insufficient to determine the role of this variant in disease. Therefore, it has been classified as a Variant of Uncertain Significance. Algorithms developed to predict the effect of missense changes on protein structure and function (SIFT, PolyPhen-2, Align-GVGD) all suggest that this variant is likely to be tolerated. This variant has not been reported in the literature in individuals affected with ARSI-related conditions. This variant is present in population databases (rs373846976, gnomAD 0.02%). This sequence change replaces glycine, which is neutral and non-polar, with serine, which is neutral and polar, at codon 16 of the ARSI protein (p.Gly16Ser).